The following is an entry in ClinVar:

ClinVar aggregate classification (germline): Uncertain significance (1 of 4 stars; one submission).

Conditions:
Inborn genetic diseases. Identifiers: MedGen C0950123, MeSH D030342.

gnomAD v4.1: 1 of 1,614,008 alleles (0.000062%); highest among the groups gnomAD compares: Non-Finnish European, 0.000085%; no homozygotes.

Submission:

Ambry Genetics
Classification: Uncertain significance for Inborn genetic diseases. Last evaluated: 2024-06-23. Review status: criteria provided, single submitter. Criteria: Ambry Variant Classification Scheme 2023. Collection method: clinical testing. Allele origin: germline.
Comment: The p.R1827G variant (also known as c.5479A>G), located in coding exon 32 of the ATR gene, results from an A to G substitution at nucleotide position 5479. The arginine at codon 1827 is replaced by glycine, an amino acid with dissimilar properties. This amino acid position is conserved. In addition, this alteration is predicted to be deleterious by in silico analysis. Based on the available evidence, the clinical significance of this variant remains unclear.

NM_001184.4(ATR):c.5479A>G (p.Arg1827Gly)

Gene: ATR (ATR serine/threonine kinase; minus strand). Cytogenetic location: 3q23.
Variant type: single nucleotide variant.
Coding change: c.5479A>G on transcript NM_001184.4 (MANE Select); coding-DNA position 5479, A replaced by G.
Protein change: p.Arg1827Gly; replaces arginine 1827 with glycine.
Molecular consequence: missense variant.
Genome position (GRCh38, 1-based): chr3:142,498,676, T>C on the plus strand (A>G on the coding strand, the complement: ATR is on the minus strand). VCF-style: chr3-142498676-T-C. GRCh37 (hg19) VCF-style: chr3-142217518-T-C.
Other names: c.5287A>G, p.Arg1763Gly (NM_001354579.2); short protein forms R1763G, R1827G.
Identifiers: ClinVar variation 3332244 (VCV003332244.1).
Genomic context (GRCh38, chr3:142,498,676, plus strand): 5'-CTCGTTGGTAGGAGCCTCTTTCAAAGCTTGCAGCTGAAAGAGGTACAATTTGTTCTGCTC[T>C]CACTAGTTTCAGTGAGTCATAAAAAGCTGTGATATCTCTTTTTTTGGCTGATAATAATAG-3'
Protein context (NP_001175.2, residues 1817-1837): TAFYDSLKLV[Arg1827Gly]AEQIVPLSAA